The following is an entry in ClinVar:

NM_000969.5(RPL5):c.221T>C (p.Ile74Thr)

Genes: DIPK1A (divergent protein kinase domain 1A; minus strand), RPL5 (ribosomal protein L5; plus strand). Cytogenetic location: 1p22.1.
Variant type: single nucleotide variant.
Coding change: c.221T>C on transcript NM_000969.5 (MANE Select); coding-DNA position 221, T replaced by C.
Protein change: p.Ile74Thr; replaces isoleucine 74 with threonine.
Molecular consequence: missense variant. On other transcripts: non-coding transcript variant (1), intron variant (1).
Genome position (GRCh38, 1-based): chr1:92,834,810, T>C. VCF-style: chr1-92834810-T-C. GRCh37 (hg19) VCF-style: chr1-93300367-T-C.
Other names: c.475-1776A>G (NM_001252273.2); short protein forms I74T.
Identifiers: ClinVar variation 4782175 (VCV004782175.1).

ClinVar aggregate classification (germline): Uncertain significance (1 of 4 stars; one submission).

Conditions:
Diamond-Blackfan anemia. Also called: Blackfan Diamond syndrome; Aregenerative anemia chronic congenital; Red cell aplasia, pure hereditary; Congenital hypoplastic anemia; Aase syndrome. Identifiers: Orphanet 124, MedGen C1260899, MeSH D029503, MONDO:0015253, HP:0004810.

gnomAD v4.1: 1 of 1,613,302 alleles (0.000062%); highest among the groups gnomAD compares: Admixed American, 0.0017%; no homozygotes.

Submission:

Labcorp Genetics (formerly Invitae), Labcorp
Classification: Uncertain significance for Diamond-Blackfan anemia. Last evaluated: 2025-06-01. Review status: criteria provided, single submitter. Criteria: Invitae Variant Classification Sherloc (09022015). Collection method: clinical testing. Allele origin: germline.
Comment: This sequence change replaces isoleucine, which is neutral and non-polar, with threonine, which is neutral and polar, at codon 74 of the RPL5 protein (p.Ile74Thr). This variant is present in population databases (no rsID available, gnomAD 0.003%). This variant has not been reported in the literature in individuals affected with RPL5-related conditions. Invitae Evidence Modeling of protein sequence and biophysical properties (such as structural, functional, and spatial information, amino acid conservation, physicochemical variation, residue mobility, and thermodynamic stability) indicates that this missense variant is not expected to disrupt RPL5 protein function with a negative predictive value of 80%. In summary, the available evidence is currently insufficient to determine the role of this variant in disease. Therefore, it has been classified as a Variant of Uncertain Significance.